The following is an entry in ClinVar:

ClinVar aggregate classification (germline): Uncertain significance. Review status: criteria provided, multiple submitters, no conflicts (2 of 4 stars). 2 submissions from 2 submitters: Uncertain significance (2). Last evaluated 2024-12-24.

Conditions:
Inborn genetic diseases. Identifiers: MedGen C0950123, MeSH D030342.
Familial infantile myasthenia (CMS6). Also called: MYASTHENIC SYNDROME, CONGENITAL, 6, PRESYNAPTIC; Congenital myasthenic syndrome type 6; MYASTHENIC SYNDROME, PRESYNAPTIC, CONGENITAL, ASSOCIATED WITH EPISODIC APNEA. Identifiers: Orphanet 590, MedGen C0393929, MONDO:0009689, OMIM 254210.

Allele frequency attached by ClinVar (database versions not stated): gnomAD 0.00004; TOPMed 0.00004.
gnomAD v4.1: 27 of 1,613,688 alleles (0.0017%); highest among the groups gnomAD compares: East Asian, 0.0067%; no homozygotes.

Submissions (2):

Ambry Genetics
Classification: Uncertain significance for Inborn genetic diseases. Last evaluated: 2024-12-24. Review status: criteria provided, single submitter. Criteria: Ambry Variant Classification Scheme 2023. Collection method: clinical testing. Allele origin: germline.

Labcorp Genetics (formerly Invitae), Labcorp
Classification: Uncertain significance for Familial infantile myasthenia. Last evaluated: 2022-04-10. Review status: criteria provided, single submitter. Criteria: Invitae Variant Classification Sherloc (09022015). Collection method: clinical testing. Allele origin: germline.
Comment: This sequence change replaces alanine, which is neutral and non-polar, with threonine, which is neutral and polar, at codon 479 of the CHAT protein (p.Ala479Thr). This variant is present in population databases (rs3793795, gnomAD 0.006%). This variant has not been reported in the literature in individuals affected with CHAT-related conditions. Advanced modeling of protein sequence and biophysical properties (such as structural, functional, and spatial information, amino acid conservation, physicochemical variation, residue mobility, and thermodynamic stability) performed at Invitae indicates that this missense variant is not expected to disrupt CHAT protein function. In summary, the available evidence is currently insufficient to determine the role of this variant in disease. Therefore, it has been classified as a Variant of Uncertain Significance.

NM_020549.5(CHAT):c.1435G>A (p.Ala479Thr)

Gene: CHAT (choline O-acetyltransferase; plus strand). Cytogenetic location: 10q11.23.
Variant type: single nucleotide variant.
Coding change: c.1435G>A on transcript NM_020549.5 (MANE Select); coding-DNA position 1435, G replaced by A.
Protein change: p.Ala479Thr; replaces alanine 479 with threonine.
Molecular consequence: missense variant.
Genome position (GRCh38, 1-based): chr10:49,649,560, G>A. VCF-style: chr10-49649560-G-A. GRCh37 (hg19) VCF-style: chr10-50857606-G-A.
Other names: c.1081G>A, p.Ala361Thr (NM_001142929.2, NM_001142934.2, NM_020984.4 and 2 more transcripts); c.1189G>A, p.Ala397Thr (NM_001142933.2); c.1435G>A (NM_020549.4); short protein forms A479T, A361T, A397T.
Identifiers: ClinVar variation 2179345 (VCV002179345.2), dbSNP rs3793795, ClinGen allele CA206638653.
Genomic context (GRCh38, chr10:49,649,560, plus strand): 5'-GCCCGCAGGACGCAGAGCAGCAGGAAGCTGATCCGAGCAGACTCCGTCAGCGAGCTCCCC[G>A]CCCCCCGGAGGCTGCGGTGGAAATGCTCCCCGGAAATTCAAGGCCACTTAGCCTCCTCGG-3'
Protein context (NP_065574.4, residues 469-489): IRADSVSELP[Ala479Thr]PRRLRWKCSP